The following is an entry in ClinVar:

ClinVar aggregate classification (germline): Pathogenic/Likely pathogenic. Review status: criteria provided, multiple submitters, no conflicts (2 of 4 stars). 2 submissions from 2 submitters: Pathogenic (1); Likely pathogenic (1). Last evaluated 2025-03-13.

Conditions:
Autosomal recessive NBAS-related disorders.

Submissions (2):

Variantyx, Inc.
Classification: Likely pathogenic for Autosomal recessive NBAS-related disorders. Last evaluated: 2025-03-13. Review status: criteria provided, single submitter. Criteria: Variantyx Assertion Criteria 2022. Collection method: clinical testing. Allele origin: germline.
Comment: This is a frameshift variant in the NBAS gene (OMIM: 608025). Pathogenic variants in this gene have been associated with autosomal recessive NBAS-related disorders [PMID:26073778;38244286). This variant introduces a premature termination codon in exon 29 out of 52. It is expected to result in loss of function, which is a known disease mechanism for NBAS in this disorder (PMID:26073778;38244286) (PVS1). This variant has a 0.0091% maximum allele frequency in non-founder control populations (PM2_Supporting). Based on the current evidence, this variant is classified as likely pathogenic for autosomal recessive NBAS-related disorders.

Labcorp Genetics (formerly Invitae), Labcorp
Classification: Pathogenic. Last evaluated: 2023-08-24. Review status: criteria provided, single submitter. Criteria: Invitae Variant Classification Sherloc (09022015). Collection method: clinical testing. Allele origin: germline.
Comment: This sequence change creates a premature translational stop signal (p.Glu1092Leufs*11) in the NBAS gene. It is expected to result in an absent or disrupted protein product. Loss-of-function variants in NBAS are known to be pathogenic (PMID: 26073778, 26541327, 27789416, 28031453). This variant is present in population databases (no rsID available, gnomAD 0.01%). For these reasons, this variant has been classified as Pathogenic. ClinVar contains an entry for this variant (Variation ID: 2073004). This variant has not been reported in the literature in individuals affected with NBAS-related conditions.

Literature cited by the submitters: PubMed 26073778 (cited by Labcorp Genetics (formerly Invitae), Labcorp); PubMed 26541327 (cited by Labcorp Genetics (formerly Invitae), Labcorp); PubMed 27789416 (cited by Labcorp Genetics (formerly Invitae), Labcorp); PubMed 28031453 (cited by Labcorp Genetics (formerly Invitae), Labcorp).

NM_015909.4(NBAS):c.3274_3277del (p.Glu1092fs)

Gene: NBAS (NBAS subunit of NRZ tethering complex; minus strand). Cytogenetic location: 2p24.3.
Variant type: Deletion.
Coding change: c.3274_3277del on transcript NM_015909.4 (MANE Select); coding-DNA positions 3274 to 3277, 4 bases deleted (GAGT; older notation c.3274_3277delGAGT).
Protein change: p.Glu1092fs; shifts the reading frame from glutamic acid 1092.
Molecular consequence: frameshift variant. On other transcripts: non-coding transcript variant (1).
Genome position (GRCh38, 1-based): chr2:15,383,298-15,383,301, ACTC deleted on the plus strand (GAGT on the coding strand, the reverse complement: NBAS is on the minus strand); deleting any 4 consecutive bases within chr2:15,383,298-15,383,304 gives the same sequence; the c. name uses the placement nearest the transcript's 3' end. VCF-style (leftmost placement, unchanged base first): chr2-15383297-GACTC-G. GRCh37 (hg19) VCF-style: chr2-15523421-GACTC-G.
Other names: short protein forms E1092fs.
Identifiers: ClinVar variation 2073004 (VCV002073004.5), dbSNP rs1205645084, ClinGen allele CA531031506.
Genomic context (GRCh38, chr2:15,383,297, plus strand): 5'-AGACATGTGTATACATTCTGCTGCATAGTTAACATGTCTTGCAGCAACGTTCTCCAATGA[GACTC>G]ACTGACAGGAGGCTGCCTGGAAAAACACATAAAAAAGACAAGGAAGAGGGAAAGAAAACA-3'